The following is an entry in ClinVar:

NM_021008.4(DEAF1):c.1214C>A (p.Pro405Gln)

Gene: DEAF1 (DEAF1 transcription factor; minus strand). Cytogenetic location: 11p15.5.
Variant type: single nucleotide variant.
Coding change: c.1214C>A on transcript NM_021008.4 (MANE Select); coding-DNA position 1214, C replaced by A.
Protein change: p.Pro405Gln; replaces proline 405 with glutamine.
Molecular consequence: missense variant.
Genome position (GRCh38, 1-based): chr11:678,735, G>T on the plus strand (C>A on the coding strand, the complement: DEAF1 is on the minus strand). VCF-style: chr11-678735-G-T. GRCh37 (hg19) VCF-style: chr11-678735-G-T.
Other names: c.947C>A, p.Pro316Gln (NM_001293634.2); c.488C>A, p.Pro163Gln (NM_001367390.1); short protein forms P316Q, P405Q, P163Q.
Identifiers: ClinVar variation 2840303 (VCV002840303.3), dbSNP rs1860193272, ClinGen allele CA378925332.

ClinVar aggregate classification (germline): Uncertain significance (1 of 4 stars; one submission).

Submission:

Labcorp Genetics (formerly Invitae), Labcorp
Classification: Uncertain significance. Last evaluated: 2023-03-03. Review status: criteria provided, single submitter. Criteria: Invitae Variant Classification Sherloc (09022015). Collection method: clinical testing. Allele origin: germline.
Comment: Advanced modeling of protein sequence and biophysical properties (such as structural, functional, and spatial information, amino acid conservation, physicochemical variation, residue mobility, and thermodynamic stability) performed at Invitae indicates that this missense variant is not expected to disrupt DEAF1 protein function. In summary, the available evidence is currently insufficient to determine the role of this variant in disease. Therefore, it has been classified as a Variant of Uncertain Significance. This variant has not been reported in the literature in individuals affected with DEAF1-related conditions. This sequence change replaces proline, which is neutral and non-polar, with glutamine, which is neutral and polar, at codon 405 of the DEAF1 protein (p.Pro405Gln). This variant is not present in population databases (gnomAD no frequency).